The following is an entry in ClinVar:

NM_001282933.2(ZNF341):c.913A>G (p.Lys305Glu)

Gene: ZNF341 (zinc finger protein 341; plus strand). Cytogenetic location: 20q11.22.
Variant type: single nucleotide variant.
Coding change: c.913A>G on transcript NM_001282933.2 (MANE Select); coding-DNA position 913, A replaced by G.
Protein change: p.Lys305Glu; replaces lysine 305 with glutamic acid.
Molecular consequence: missense variant. On other transcripts: non-coding transcript variant (1).
Genome position (GRCh38, 1-based): chr20:33,757,319, A>G. VCF-style: chr20-33757319-A-G. GRCh37 (hg19) VCF-style: chr20-32345125-A-G.
Other names: c.643A>G, p.Lys215Glu (NM_001282935.2); c.913A>G, p.Lys305Glu (NM_032819.5); short protein forms K305E, K215E.
Identifiers: ClinVar variation 1471284 (VCV001471284.8), dbSNP rs2122675557, ClinGen allele CA408651933.
Genomic context (GRCh38, chr20:33,757,319, plus strand): 5'-GCCACCGGGGGCACGGTGGCCACCTTTGACTCTCCAGCAACGCTGAAGACCCGACGAGCT[A>G]AAGGTGCCAGGGGACTCCCGGAAGGTGGGCCCCCAGCCTGCCATGGGCATCTTTCCTCAA-3'
Protein context (NP_001269862.1, residues 295-315): SPATLKTRRA[Lys305Glu]GARGLPEAAG

ClinVar aggregate classification (germline): Uncertain significance (1 of 4 stars; one submission).

Submission:

Labcorp Genetics (formerly Invitae), Labcorp
Classification: Uncertain significance. Last evaluated: 2022-07-19. Review status: criteria provided, single submitter. Criteria: Invitae Variant Classification Sherloc (09022015). Collection method: clinical testing. Allele origin: germline.
Comment: In summary, the available evidence is currently insufficient to determine the role of this variant in disease. Therefore, it has been classified as a Variant of Uncertain Significance. Algorithms developed to predict the effect of missense changes on protein structure and function are either unavailable or do not agree on the potential impact of this missense change (SIFT: "Deleterious"; PolyPhen-2: "Possibly Damaging"; Align-GVGD: "Class C15"). ClinVar contains an entry for this variant (Variation ID: 1471284). This variant has not been reported in the literature in individuals affected with ZNF341-related conditions. This variant is not present in population databases (gnomAD no frequency). This sequence change replaces lysine, which is basic and polar, with glutamic acid, which is acidic and polar, at codon 305 of the ZNF341 protein (p.Lys305Glu).